The following is an entry in ClinVar:

ClinVar aggregate classification (germline): Likely benign (0 of 4 stars; one submission).

Conditions:
ZMYM3-related disorder. Also called: ZMYM3-related condition.

Allele frequency attached by ClinVar (database versions not stated): gnomAD exomes 0.00003; ExAC 0.00011; ESP Exome Variant Server 0.00019; gnomAD 0.00029; TOPMed 0.00052.
gnomAD v4.1: 68 of 1,161,421 alleles (0.0059%); highest among the groups gnomAD compares: African/African-American, 0.084%; no homozygotes.

Submission:

PreventionGenetics, part of Exact Sciences
Classification: Likely benign for ZMYM3-related condition. Last evaluated: 2020-02-05. Review status: no assertion criteria provided. Collection method: clinical testing. Allele origin: germline.
Comment: This variant is classified as likely benign based on ACMG/AMP sequence variant interpretation guidelines (Richards et al. 2015 PMID: 25741868, with internal and published modifications).

NM_201599.3(ZMYM3):c.3803-9C>A

Gene: ZMYM3 (zinc finger MYM-type containing 3; minus strand). Cytogenetic location: Xq13.1.
Variant type: single nucleotide variant.
Coding change: c.3803-9C>A on transcript NM_201599.3 (MANE Select); 9 bases into the intron before coding-DNA position 3803, C replaced by A.
Molecular consequence: intron variant.
Genome position (GRCh38, 1-based): chrX:71,241,353, G>T on the plus strand (C>A on the coding strand, the complement: ZMYM3 is on the minus strand). VCF-style: chrX-71241353-G-T. GRCh37 (hg19) VCF-style: chrX-70461203-G-T.
Other names: c.3767-9C>A (NM_001171162.1); c.3803-9C>A (NM_005096.3).
Identifiers: ClinVar variation 3051458 (VCV003051458.2), dbSNP rs369768301, ClinGen allele CA10445407.
Genomic context (GRCh38, chrX:71,241,353, plus strand): 5'-TGCTCTAAGATAGGGGCTTCATCTTCTCTCTTCCGTTTTCCAGGACCCGTGTCTATAGGG[G>T]AGGGAAATGATTCAGACTCATTAAGAACACAGGCTCCATGAGCCACATCCAAGAGCACAG-3'